The following is an entry in ClinVar:

ClinVar aggregate classification (germline): Uncertain significance (1 of 4 stars; one submission).

Conditions:
Hereditary cancer-predisposing syndrome. Also called: Neoplastic Syndromes, Hereditary; Tumor predisposition; Hereditary Cancer Syndrome; Hereditary neoplastic syndrome. Identifiers: Orphanet 140162, MedGen C0027672, MeSH D009386, MONDO:0015356.

Submission:

Ambry Genetics
Classification: Uncertain significance for Hereditary cancer-predisposing syndrome. Last evaluated: 2026-04-14. Review status: criteria provided, single submitter. Criteria: Ambry Variant Classification Scheme 2023. Collection method: clinical testing. Allele origin: germline.
Comment: The c.597+3G>A intronic variant results from a G to A substitution 3 nucleotides after coding exon 4 in the SUFU gene. This nucleotide position is not well conserved in available vertebrate species. In silico splice site analysis predicts that this alteration will not have any significant effect on splicing. Based on the available evidence, the clinical significance of this variant remains unclear.

NM_016169.4(SUFU):c.597+3G>A

Gene: SUFU (SUFU negative regulator of hedgehog signaling; plus strand). Cytogenetic location: 10q24.32.
Variant type: single nucleotide variant.
Coding change: c.597+3G>A on transcript NM_016169.4 (MANE Select); 3 bases into the intron after coding-DNA position 597, G replaced by A.
Molecular consequence: intron variant.
Genome position (GRCh38, 1-based): chr10:102,592,727, G>A. VCF-style: chr10-102592727-G-A. GRCh37 (hg19) VCF-style: chr10-104352484-G-A.
Other names: c.597+3G>A (NM_001178133.2).
Identifiers: ClinVar variation 4865240 (VCV004865240.1).